The following is an entry in ClinVar:

ClinVar aggregate classification (germline): Likely benign. Review status: criteria provided, multiple submitters, no conflicts (2 of 4 stars). 3 submissions from 3 submitters: Likely benign (2). 1 of the submissions does not count toward it. Last evaluated 2025-07-14.

Conditions:
Sjögren-Larsson syndrome (SLS). Also called: FALDH DEFICIENCY; FATTY ALCOHOL:NAD+ OXIDOREDUCTASE DEFICIENCY; FATTY ALDEHYDE DEHYDROGENASE DEFICIENCY; ICHTHYOSIS, SPASTIC NEUROLOGIC DISORDER, AND OLIGOPHRENIA. Identifiers: Orphanet 816, MedGen C0037231, MONDO:0010031, OMIM 270200.

Allele frequency attached by ClinVar (database versions not stated): gnomAD 0.00007 and 0.00011; TOPMed 0.00008; gnomAD exomes 0.00015 and 0.00024; ExAC 0.00030; 1000 Genomes Project 30x 0.00062; 1000 Genomes Project 0.00080.

Submissions (5):

Labcorp Genetics (formerly Invitae), Labcorp
Classification: Likely benign. Last evaluated: 2025-07-14. Review status: criteria provided, single submitter. Criteria: Invitae Variant Classification Sherloc (09022015). Collection method: clinical testing. Allele origin: germline.

Illumina Laboratory Services, Illumina
Classification: Likely benign for Sjögren-Larsson syndrome. Last evaluated: 2018-01-13. Review status: criteria provided, single submitter. Criteria: ICSL Variant Classification Criteria 13 December 2019. Collection method: clinical testing. Allele origin: germline.
Comment: This variant was observed in the ICSL laboratory as part of a predisposition screen in an ostensibly healthy population. It had not been previously curated by ICSL or reported in the Human Gene Mutation Database (HGMD: prior to June 1st, 2018), and was therefore a candidate for classification through an automated scoring system. Utilizing variant allele frequency, disease prevalence and penetrance estimates, and inheritance mode, an automated score was calculated to assess if this variant is too frequent to cause the disease. Based on the score and internal cut-off values, a variant classified as likely benign is not then subjected to further curation. The score for this variant resulted in a classification of likely benign for this disease.

Natera, Inc.
Classification: Likely benign for SjÃ¶gren-Larsson syndrome. Last evaluated: 2019-11-22. Review status: no assertion criteria provided. Collection method: clinical testing. Allele origin: germline. Not counted in ClinVar's aggregate classification.

Dr. Peter K. Rogan Lab, Western University
No classification provided (evidence only). Condition: Hepatocellular carcinoma. Review status: no classification provided. Collection method: in vitro. Allele origin: not applicable. Functional consequence: skipped exon. Not counted in ClinVar's aggregate classification.

Dr. Peter K. Rogan Lab, Western University
No classification provided (evidence only). Condition: Gastric cancer. Review status: no classification provided. Collection method: in vitro. Allele origin: not applicable. Functional consequence: retained intron. Not counted in ClinVar's aggregate classification.

NM_000382.3(ALDH3A2):c.1373G>A (p.Arg458Gln)

Gene: ALDH3A2 (aldehyde dehydrogenase 3 family member A2; plus strand). Cytogenetic location: 17p11.2.
Variant type: single nucleotide variant.
Coding change: c.1373G>A on transcript NM_000382.3 (MANE Select); coding-DNA position 1373, G replaced by A.
Protein change: p.Arg458Gln; replaces arginine 458 with glutamine.
Molecular consequence: missense variant. On other transcripts: intron variant (1).
Genome position (GRCh38, 1-based): chr17:19,671,886, G>A. VCF-style: chr17-19671886-G-A. GRCh37 (hg19) VCF-style: chr17-19575199-G-A.
Other names: c.1373G>A, p.Arg458Gln (NM_001031806.2, NM_001369136.1, NM_001369137.2 and 2 more transcripts); c.794G>A, p.Arg265Gln (NM_001369148.2); c.1208-3672G>A (NM_001369146.2); short protein forms R458Q, R265Q.
Identifiers: ClinVar variation 763621 (VCV000763621.15), dbSNP rs144190241, ClinGen allele CA8443066.